The following is an entry in ClinVar:

NM_020928.2(ZSWIM6):c.220C>T (p.Pro74Ser)

Gene: ZSWIM6 (zinc finger SWIM-type containing 6; plus strand). Cytogenetic location: 5q12.1.
Variant type: single nucleotide variant.
Coding change: c.220C>T on transcript NM_020928.2 (MANE Select); coding-DNA position 220, C replaced by T.
Protein change: p.Pro74Ser; replaces proline 74 with serine.
Molecular consequence: missense variant.
Genome position (GRCh38, 1-based): chr5:61,332,492, C>T. VCF-style: chr5-61332492-C-T. GRCh37 (hg19) VCF-style: chr5-60628319-C-T.
Other names: short protein forms P74S.
Identifiers: ClinVar variation 5009747 (VCV005009747.1).

ClinVar aggregate classification (germline): Uncertain significance (1 of 4 stars; one submission).

Submission:

GeneDx
Classification: Uncertain significance. Last evaluated: 2026-03-02. Review status: criteria provided, single submitter. Criteria: GeneDx Variant Classification Process June 2021. Collection method: clinical testing. Allele origin: germline.
Comment: Not observed at significant frequency in large population cohorts (gnomAD); In silico analysis supports that this missense variant has a deleterious effect on protein structure/function; Has not been previously published as pathogenic or benign to our knowledge